The following is an entry in ClinVar:

ClinVar aggregate classification (germline): Pathogenic. Review status: criteria provided, multiple submitters, no conflicts (2 of 4 stars). 2 submissions from 2 submitters: Pathogenic (2). Last evaluated 2024-05-08.

Conditions:
Sandhoff disease. Also called: GM2-GANGLIOSIDOSIS, TYPE II; HEXOSAMINIDASES A AND B DEFICIENCY; Beta-hexosaminidase-beta-subunit deficiency; GM2 gangliosidosis, type 2; Total hexosaminidase deficiency; Sandhoff-Jatzkewitz-Pilz disease. Identifiers: Orphanet 796, MedGen C0036161, MONDO:0010006, OMIM 268800.

Submissions (2):

Myriad Genetics, Inc.
Classification: Pathogenic for Sandhoff disease. Last evaluated: 2024-05-08. Review status: criteria provided, single submitter. Criteria: Myriad Autosomal Dominant, Autosomal Recessive and X-Linked Classification Criteria (2023). Collection method: clinical testing. Allele origin: unknown.
Comment: NM_000521.3(HEXB):c.1010dupT(K338Qfs*4) is expected to be pathogenic in the context of Sandhoff disease. This variant is predicted to lead to an abnormal or absent protein product due to the creation of a premature termination codon in HEXB, a gene where loss-of-function variants are known to be pathogenic. Please note: this variant was assessed in the context of healthy population screening.

Labcorp Genetics (formerly Invitae), Labcorp
Classification: Pathogenic for Sandhoff disease. Last evaluated: 2018-09-18. Review status: criteria provided, single submitter. Criteria: Invitae Variant Classification Sherloc (09022015). Collection method: clinical testing. Allele origin: germline.
Comment: For these reasons, this variant has been classified as Pathogenic. Loss-of-function variants in HEXB are known to be pathogenic (PMID: 7550345, 18758829). This variant has not been reported in the literature in individuals with HEXB-related disease. This variant is not present in population databases (ExAC no frequency). This sequence change creates a premature translational stop signal (p.Lys338Glnfs*4) in the HEXB gene. It is expected to result in an absent or disrupted protein product.

Literature cited by the submitters: PubMed 7550345 (cited by Labcorp Genetics (formerly Invitae), Labcorp); PubMed 18758829 (cited by Labcorp Genetics (formerly Invitae), Labcorp).

NM_000521.4(HEXB):c.1010dup (p.Lys338fs)

Gene: HEXB (hexosaminidase subunit beta; plus strand). Cytogenetic location: 5q13.3.
Variant type: Duplication.
Coding change: c.1010dup on transcript NM_000521.4 (MANE Select); coding-DNA position 1010, one base duplicated (T; older notation c.1010dupT).
Protein change: p.Lys338fs; shifts the reading frame from lysine 338.
Molecular consequence: frameshift variant.
Genome position (GRCh38, 1-based): chr5:74,715,618, T duplicated; the last of 5 consecutive T bases (chr5:74,715,614-74,715,618); duplicating any one gives the same sequence. VCF-style (leftmost placement, unchanged base first): chr5-74715613-A-AT. GRCh37 (hg19) VCF-style: chr5-74011438-A-AT.
Other names: c.1010dupT (NM_000521.3); c.335dup, p.Lys113fs (NM_001292004.2); short protein forms K113fs, K338fs.
Identifiers: ClinVar variation 665539 (VCV000665539.7), dbSNP rs1579952143, ClinGen allele CA915943387.
Genomic context (GRCh38, chr5:74,715,613, plus strand): 5'-GTTGGACTCTTTTGGACCTATAAACCCTACTCTGAATACAACATACAGCTTCCTTACTAC[A>AT]TTTTTCAAAGAAATTAGTGAGGTGTTTCCAGATCAATTCATTCATTTGGGAGGAGATGAA-3'